The following is an entry in ClinVar:

NM_020975.6(RET):c.338-9T>A

Gene: RET (ret proto-oncogene; plus strand). Cytogenetic location: 10q11.21.
Variant type: single nucleotide variant.
Coding change: c.338-9T>A on transcript NM_020975.6 (MANE Select); 9 bases into the intron before coding-DNA position 338, T replaced by A.
Molecular consequence: intron variant.
Genome position (GRCh38, 1-based): chr10:43,102,333, T>A. VCF-style: chr10-43102333-T-A. GRCh37 (hg19) VCF-style: chr10-43597781-T-A.
Other names: c.338-9T>A (NM_020630.7, NM_001406743.1, NM_001406744.1 and 14 more transcripts); c.338-138T>A (NM_001406764.1, NM_001406762.1, NM_001406761.1 and 4 more transcripts); c.337+1611T>A (NM_001406770.1, NM_001406766.1, NM_001406767.1 and 8 more transcripts); c.74-6698T>A (NM_001406784.1); c.74-9766T>A (NM_001406794.1, NM_001406792.1, NM_001406793.1).
Identifiers: ClinVar variation 2765359 (VCV002765359.3), dbSNP rs2492151998, ClinGen allele CA2697558303.

ClinVar aggregate classification (germline): Uncertain significance (1 of 4 stars; one submission).

Conditions:
Multiple endocrine neoplasia, type 2 (MEN2). Identifiers: Orphanet 653, MedGen C4048306, MONDO:0019003. Disease mechanism: gain of function.

Submission:

Labcorp Genetics (formerly Invitae), Labcorp
Classification: Uncertain significance for Multiple endocrine neoplasia, type 2. Last evaluated: 2023-10-04. Review status: criteria provided, single submitter. Criteria: Invitae Variant Classification Sherloc (09022015). Collection method: clinical testing. Allele origin: germline.
Comment: This sequence change falls in intron 2 of the RET gene. It does not directly change the encoded amino acid sequence of the RET protein. This variant is not present in population databases (gnomAD no frequency). This variant has not been reported in the literature in individuals affected with RET-related conditions. Algorithms developed to predict the effect of sequence changes on RNA splicing suggest that this variant may disrupt the consensus splice site. In summary, the available evidence is currently insufficient to determine the role of this variant in disease. Therefore, it has been classified as a Variant of Uncertain Significance.